The following is an entry in ClinVar:

ClinVar aggregate classification (germline): Conflicting classifications of pathogenicity. Review status: criteria provided, conflicting classifications (1 of 4 stars). 3 submissions from 3 submitters: Uncertain significance (1); Likely benign (2). Last evaluated 2025-07-28.

Conditions:
Intellectual disability-microcephaly-strabismus-behavioral abnormalities syndrome. Also called: White-Sutton Syndrome. Identifiers: Orphanet 468678, MedGen C4225351, MONDO:0014606, OMIM 616364.
Inborn genetic diseases. Identifiers: MedGen C0950123, MeSH D030342.

Allele frequency attached by ClinVar (database versions not stated): gnomAD exomes 0.00002; ExAC 0.00003; ESP Exome Variant Server 0.00008; TOPMed 0.00019; gnomAD 0.00023.

Submissions (3):

Revvity Omics, Revvity
Classification: Uncertain significance for Intellectual disability-microcephaly-strabismus-behavioral abnormalities syndrome. Last evaluated: 2025-07-28. Review status: criteria provided, single submitter. Criteria: ACMG Guidelines, 2015. Collection method: clinical testing. Allele origin: germline.

Ambry Genetics
Classification: Likely benign for Inborn genetic diseases. Last evaluated: 2025-01-14. Review status: criteria provided, single submitter. Criteria: Ambry Variant Classification Scheme 2023. Collection method: clinical testing. Allele origin: germline.

CeGaT Center for Human Genetics Tuebingen
Classification: Likely benign. Last evaluated: 2023-03-01. Review status: criteria provided, single submitter. Criteria: CeGaT Center For Human Genetics Tuebingen Variant Classification Criteria Version 2. Collection method: clinical testing. Allele origin: germline. Affected: yes. Observed: 1 variant allele.
Comment: POGZ: PP2, BP4, BS1

NM_015100.4(POGZ):c.358A>G (p.Met120Val)

Gene: POGZ (pogo transposable element derived with ZNF domain; minus strand). Cytogenetic location: 1q21.3.
Variant type: single nucleotide variant.
Coding change: c.358A>G on transcript NM_015100.4 (MANE Select); coding-DNA position 358, A replaced by G.
Protein change: p.Met120Val; replaces methionine 120 with valine.
Molecular consequence: missense variant. On other transcripts: intron variant (1).
Genome position (GRCh38, 1-based): chr1:151,430,767, T>C on the plus strand (A>G on the coding strand, the complement: POGZ is on the minus strand). VCF-style: chr1-151430767-T-C. GRCh37 (hg19) VCF-style: chr1-151403243-T-C.
Other names: c.358A>G, p.Met120Val (NM_001194937.2); c.199A>G, p.Met67Val (NM_001194938.2, NM_207171.2); c.379A>G, p.Met127Val (NM_001410860.1); c.284-2354A>G (NM_145796.4); short protein forms M120V, M127V, M67V.
Identifiers: ClinVar variation 2435129 (VCV002435129.28), dbSNP rs377068982, ClinGen allele CA1091659.